The following is an entry in ClinVar:

ClinVar aggregate classification (germline): Uncertain significance. Review status: criteria provided, multiple submitters, no conflicts (2 of 4 stars). 2 submissions from 2 submitters: Uncertain significance (2). Last evaluated 2022-08-16.

Allele frequency attached by ClinVar (database versions not stated): gnomAD exomes below 0.00001 and 0.00001; gnomAD 0.00001; ExAC 0.00002.
gnomAD v4.1: 8 of 1,614,028 alleles (0.0005%); highest among the groups gnomAD compares: South Asian, 0.0022%; no homozygotes.

Submissions (2):

Labcorp Genetics (formerly Invitae), Labcorp
Classification: Uncertain significance. Last evaluated: 2022-08-16. Review status: criteria provided, single submitter. Criteria: Invitae Variant Classification Sherloc (09022015). Collection method: clinical testing. Allele origin: germline.
Comment: This sequence change replaces arginine, which is basic and polar, with glutamine, which is neutral and polar, at codon 658 of the SEMA4A protein (p.Arg658Gln). This variant is present in population databases (rs747644135, gnomAD 0.01%). This variant has not been reported in the literature in individuals affected with SEMA4A-related conditions. ClinVar contains an entry for this variant (Variation ID: 1059879). Algorithms developed to predict the effect of missense changes on protein structure and function are either unavailable or do not agree on the potential impact of this missense change (SIFT: "Tolerated"; PolyPhen-2: "Possibly Damaging"; Align-GVGD: "Class C0"). In summary, the available evidence is currently insufficient to determine the role of this variant in disease. Therefore, it has been classified as a Variant of Uncertain Significance.

Blueprint Genetics
Classification: Uncertain significance. Last evaluated: 2022-01-18. Review status: criteria provided, single submitter. Criteria: ACMG Guidelines, 2015. Collection method: clinical testing. Allele origin: germline.

NM_022367.4(SEMA4A):c.1973G>A (p.Arg658Gln)

Gene: SEMA4A (semaphorin 4A; plus strand). Cytogenetic location: 1q22.
Variant type: single nucleotide variant.
Coding change: c.1973G>A on transcript NM_022367.4 (MANE Select); coding-DNA position 1973, G replaced by A.
Protein change: p.Arg658Gln; replaces arginine 658 with glutamine.
Molecular consequence: missense variant.
Genome position (GRCh38, 1-based): chr1:156,176,684, G>A. VCF-style: chr1-156176684-G-A. GRCh37 (hg19) VCF-style: chr1-156146475-G-A.
Other names: c.1973G>A, p.Arg658Gln (NM_001193300.2, NM_001193301.2, NM_001370567.1); c.1577G>A, p.Arg526Gln (NM_001193302.2); c.1676G>A, p.Arg559Gln (NM_001370568.1); c.1466G>A, p.Arg489Gln (NM_001370569.1, NM_001370571.1); short protein forms R489Q, R526Q, R559Q, R658Q.
Identifiers: ClinVar variation 1059879 (VCV001059879.10), dbSNP rs747644135, ClinGen allele CA1155494.